The following is an entry in ClinVar:

NM_001429.4(EP300):c.4192C>T (p.Leu1398Phe)

Gene: EP300 (EP300 lysine acetyltransferase; plus strand). Cytogenetic location: 22q13.2.
Variant type: single nucleotide variant.
Coding change: c.4192C>T on transcript NM_001429.4 (MANE Select); coding-DNA position 4192, C replaced by T.
Protein change: p.Leu1398Phe; replaces leucine 1398 with phenylalanine.
Molecular consequence: missense variant.
Genome position (GRCh38, 1-based): chr22:41,169,522, C>T. VCF-style: chr22-41169522-C-T. GRCh37 (hg19) VCF-style: chr22-41565526-C-T.
Other names: c.4114C>T, p.Leu1372Phe (NM_001362843.2); short protein forms L1372F, L1398F.
Identifiers: ClinVar variation 4075467 (VCV004075467.1).

ClinVar aggregate classification (germline): Pathogenic (1 of 4 stars; one submission).

Submission:

GeneDx
Classification: Pathogenic. Last evaluated: 2025-02-13. Review status: criteria provided, single submitter. Criteria: GeneDx Variant Classification Process June 2021. Collection method: clinical testing. Allele origin: germline. Affected: yes.
Comment: Not observed at significant frequency in large population cohorts (gnomAD); In silico analysis supports that this missense variant has a deleterious effect on protein structure/function; This variant is associated with the following publications: (PMID: 35982159, 33057194, 33625734)